The following is an entry in ClinVar:

NM_004369.4(COL6A3):c.170T>C (p.Leu57Pro)

Gene: COL6A3 (collagen type VI alpha 3 chain; minus strand). Cytogenetic location: 2q37.3.
Variant type: single nucleotide variant.
Coding change: c.170T>C on transcript NM_004369.4 (MANE Select); coding-DNA position 170, T replaced by C.
Protein change: p.Leu57Pro; replaces leucine 57 with proline.
Molecular consequence: missense variant. On other transcripts: intron variant (4).
Genome position (GRCh38, 1-based): chr2:237,395,126, A>G on the plus strand (T>C on the coding strand, the complement: COL6A3 is on the minus strand). VCF-style: chr2-237395126-A-G. GRCh37 (hg19) VCF-style: chr2-238303769-A-G.
Other names: c.91+1601T>C (NM_057166.5, NM_057167.4, NM_057164.5 and 1 more transcripts); short protein forms L57P.
Identifiers: ClinVar variation 3026966 (VCV003026966.22), dbSNP rs759937318, ClinGen allele CA351228286.
Genomic context (GRCh38, chr2:237,395,126, plus strand): 5'-TGGAAATCATTTTCTCCCACAGCTAAGGATTTTACAACATCATATAGAAACTCTCGAACA[A>G]GTTGGAAATGTTCCTCTCCAATGGTCCAAGAGGAATCCACTAGAAATATTATATCAGCAG-3'
Protein context (NP_004360.2, residues 47-67): SWTIGEEHFQ[Leu57Pro]VREFLYDVVK

ClinVar aggregate classification (germline): Uncertain significance. Review status: criteria provided, multiple submitters, no conflicts (2 of 4 stars). 2 submissions from 2 submitters: Uncertain significance (2). Last evaluated 2025-04-16.

Conditions:
Inborn genetic diseases. Identifiers: MedGen C0950123, MeSH D030342.

Allele frequency attached by ClinVar (database versions not stated): TOPMed below 0.00001.
gnomAD v4.1: 2 of 1,614,092 alleles (0.00012%); highest among the groups gnomAD compares: Non-Finnish European, 0.00017%; no homozygotes.

Submissions (2):

Ambry Genetics
Classification: Uncertain significance for Inborn genetic diseases. Last evaluated: 2025-04-16. Review status: criteria provided, single submitter. Criteria: Ambry Variant Classification Scheme 2023. Collection method: clinical testing. Allele origin: germline.

CeGaT Center for Human Genetics Tuebingen
Classification: Uncertain significance. Last evaluated: 2024-01-01. Review status: criteria provided, single submitter. Criteria: CeGaT Center For Human Genetics Tuebingen Variant Classification Criteria Version 2. Collection method: clinical testing. Allele origin: germline. Affected: yes. Observed: 1 variant allele.
Comment: COL6A3: PM2